The following is an entry in ClinVar:

ClinVar aggregate classification (germline): Likely pathogenic (1 of 4 stars; one submission).

Submission:

GeneDx
Classification: Likely pathogenic. Last evaluated: 2017-12-21. Review status: criteria provided, single submitter. Criteria: GeneDx Variant Classification (06012015). Collection method: clinical testing. Allele origin: germline. Affected: yes.
Comment: p.Val857Ile (GTT>ATT): c.2569 G>A in exon 14 of the SCN1A gene (NM_001165963.1) The V857I variant has not been published as a mutation, nor has it been reported as a benign polymorphism to our knowledge. It was not observed in approximately 6,500 individuals of European and African American ancestry in the NHLBI Exome Sequencing Project, indicating it is not a common benign variant in these populations. The V857I variant is a conservative amino acid substitution, which is not likely to impact secondary protein structure as these residues share similar properties. However, this substitution alters a highly conserved position in the predicted transmembrane segment S4 of the second homologous repeat of the SCN1A protein, and multiple missense mutations in nearby residues have been reported in association with SCN1A-related disorders, supporting the functional importance of this region of the protein. Additionally, in silico analysis predicts this variant is probably damaging to the protein structure/function. Therefore, this variant is a strong candidate for a pathogenic mutation, however the possibility that it is a benign variant cannot be excluded. The variant is found in EPILEPSY,CHILD-EPI panel(s).

NM_001165963.4(SCN1A):c.2569G>A (p.Val857Ile)

Gene: SCN1A (sodium voltage-gated channel alpha subunit 1; minus strand). Cytogenetic location: 2q24.3.
Variant type: single nucleotide variant.
Coding change: c.2569G>A on transcript NM_001165963.4 (MANE Select); coding-DNA position 2569, G replaced by A.
Protein change: p.Val857Ile; replaces valine 857 with isoleucine.
Molecular consequence: missense variant. On other transcripts: non-coding transcript variant (1).
Genome position (GRCh38, 1-based): chr2:166,039,443, C>T on the plus strand (G>A on the coding strand, the complement: SCN1A is on the minus strand). VCF-style: chr2-166039443-C-T. GRCh37 (hg19) VCF-style: chr2-166895953-C-T.
Other names: p.V857I:GTT>ATT; c.2485G>A, p.Val829Ile (NM_001165964.3, NM_001353957.2, NM_001353958.2); c.2569G>A, p.Val857Ile (NM_001202435.3, NM_001353948.2); c.2536G>A, p.Val846Ile (NM_001353949.2, NM_001353950.2, NM_001353951.2 and 2 more transcripts); c.2533G>A, p.Val845Ile (NM_001353954.2, NM_001353955.2); c.2482G>A, p.Val828Ile (NM_001353960.2); c.127G>A, p.Val43Ile (NM_001353961.2); short protein forms V846I, V857I, V43I, V845I, V828I, V829I.
Identifiers: ClinVar variation 206784 (VCV000206784.2), dbSNP rs796052982, ClinGen allele CA317299.